The following is an entry in ClinVar:

ClinVar aggregate classification (germline): Uncertain significance. Review status: criteria provided, multiple submitters, no conflicts (2 of 4 stars). 2 submissions from 2 submitters: Uncertain significance (2). Last evaluated 2026-04-30.

Conditions:
Cardiovascular phenotype. Identifiers: MedGen CN230736.
DK1-congenital disorder of glycosylation. Also called: CONGENITAL DISORDER OF GLYCOSYLATION, TYPE Im; CDG Im; DK1 DEFICIENCY; DOLICHOL KINASE DEFICIENCY; DK1-CDG; DOLK-congenital disorder of glycosylation. Identifiers: Orphanet 91131, MedGen C1835849, MONDO:0012556, OMIM 610768.

Allele frequency attached by ClinVar (database versions not stated): TOPMed below 0.00001.

Submissions (2):

Ambry Genetics
Classification: Uncertain significance for Cardiovascular phenotype. Last evaluated: 2026-04-30. Review status: criteria provided, single submitter. Criteria: Ambry Variant Classification Scheme 2023. Collection method: clinical testing. Allele origin: germline.
Comment: The p.M477V variant (also known as c.1429A>G), located in coding exon 1 of the DOLK gene, results from an A to G substitution at nucleotide position 1429. The methionine at codon 477 is replaced by valine, an amino acid with highly similar properties. This amino acid position is conserved. In addition, this alteration is predicted to be tolerated by in silico analysis. Based on the available evidence, the clinical significance of this variant remains unclear.

Labcorp Genetics (formerly Invitae), Labcorp
Classification: Uncertain significance for DK1-congenital disorder of glycosylation. Last evaluated: 2022-05-18. Review status: criteria provided, single submitter. Criteria: Invitae Variant Classification Sherloc (09022015). Collection method: clinical testing. Allele origin: germline.
Comment: In summary, the available evidence is currently insufficient to determine the role of this variant in disease. Therefore, it has been classified as a Variant of Uncertain Significance. Algorithms developed to predict the effect of missense changes on protein structure and function (SIFT, PolyPhen-2, Align-GVGD) all suggest that this variant is likely to be tolerated. This variant has not been reported in the literature in individuals affected with DOLK-related conditions. This variant is present in population databases (rs763666338, gnomAD 0.0009%). This sequence change replaces methionine, which is neutral and non-polar, with valine, which is neutral and non-polar, at codon 477 of the DOLK protein (p.Met477Val).

NM_014908.4(DOLK):c.1429A>G (p.Met477Val)

Gene: DOLK (dolichol kinase; minus strand). Cytogenetic location: 9q34.11.
Variant type: single nucleotide variant.
Coding change: c.1429A>G on transcript NM_014908.4 (MANE Select); coding-DNA position 1429, A replaced by G.
Protein change: p.Met477Val; replaces methionine 477 with valine.
Molecular consequence: missense variant.
Genome position (GRCh38, 1-based): chr9:128,945,875, T>C on the plus strand (A>G on the coding strand, the complement: DOLK is on the minus strand). VCF-style: chr9-128945875-T-C. GRCh37 (hg19) VCF-style: chr9-131708154-T-C.
Other names: c.1429A>G (NM_014908.3); short protein forms M477V.
Identifiers: ClinVar variation 1378013 (VCV001378013.10), dbSNP rs763666338, ClinGen allele CA5271569.